The following is an entry in ClinVar:

NM_001377540.1(SLMAP):c.989A>G (p.Glu330Gly)

Gene: SLMAP (sarcolemma associated protein; plus strand). Cytogenetic location: 3p14.3.
Variant type: single nucleotide variant.
Coding change: c.989A>G on transcript NM_001377540.1 (MANE Select); coding-DNA position 989, A replaced by G.
Protein change: p.Glu330Gly; replaces glutamic acid 330 with glycine.
Molecular consequence: missense variant. On other transcripts: non-coding transcript variant (1).
Genome position (GRCh38, 1-based): chr3:57,864,570, A>G. VCF-style: chr3-57864570-A-G. GRCh37 (hg19) VCF-style: chr3-57850297-A-G.
Other names: c.989A>G, p.Glu330Gly (NM_001304420.3, NM_001304421.2, NM_001377538.1 and 17 more transcripts); short protein forms E330G.
Identifiers: ClinVar variation 4844305 (VCV004844305.1).

ClinVar aggregate classification (germline): Uncertain significance (1 of 4 stars; one submission).

gnomAD v4.1: 5 of 1,574,258 alleles (0.00032%); highest among the groups gnomAD compares: Non-Finnish European, 0.00043%; no homozygotes.

Submission:

Ambry Genetics
Classification: Uncertain significance. Last evaluated: 2026-01-24. Review status: criteria provided, single submitter. Criteria: Ambry Variant Classification Scheme 2023. Collection method: clinical testing. Allele origin: germline.
Comment: The p.E330G variant (also known as c.989A>G), located in coding exon 10 of the SLMAP gene, results from an A to G substitution at nucleotide position 989. The glutamic acid at codon 330 is replaced by glycine, an amino acid with similar properties. This amino acid position is conserved. In addition, the in silico prediction for this alteration is inconclusive. Based on the available evidence, the clinical significance of this variant remains unclear.